The following is an entry in ClinVar:

NM_000077.5(CDKN2A):c.458-67G>C

Gene: CDKN2A (cyclin dependent kinase inhibitor 2A; minus strand). Cytogenetic location: 9p21.3.
Variant type: single nucleotide variant.
Coding change: c.458-67G>C on transcript NM_000077.5 (MANE Select); 67 bases into the intron before coding-DNA position 458, G replaced by C.
Molecular consequence: intron variant.
Genome position (GRCh38, 1-based): chr9:21,968,309, C>G on the plus strand (G>C on the coding strand, the complement: CDKN2A is on the minus strand). VCF-style: chr9-21968309-C-G. GRCh37 (hg19) VCF-style: chr9-21968308-C-G.
Other names: c.305-67G>C (NM_001363763.2); c.*102-67G>C (NM_058195.4); c.*151-67G>C (NM_001195132.2); c.*381-67G>C (NM_058197.5).
Identifiers: ClinVar variation 4294144 (VCV004294144.1).

ClinVar aggregate classification (germline): Benign (1 of 4 stars; one submission).

Conditions:
Melanoma-pancreatic cancer syndrome. Identifiers: Orphanet 404560, MedGen C1838547, MONDO:0011713, OMIM 606719. Disease mechanism: loss of function.

Submission:

Myriad Genetics, Inc.
Classification: Benign for Melanoma-pancreatic cancer syndrome. Last evaluated: 2025-08-18. Review status: criteria provided, single submitter. Criteria: Myriad Autosomal Dominant, Autosomal Recessive and X-Linked Classification Criteria (2023). Collection method: clinical testing. Allele origin: unknown.
Comment: This variant is considered benign. This variant is intronic and is not expected to impact mRNA splicing.